The following is an entry in ClinVar:

ClinVar aggregate classification (germline): Pathogenic (1 of 4 stars; one submission).

Conditions:
Autosomal recessive polycystic kidney disease (ARPKD). Also called: AR polycystic kidney disease. Identifiers: Orphanet 731, Orphanet 8378, MedGen C0085548, MeSH D017044, MONDO:0009889.

Submission:

Labcorp Genetics (formerly Invitae), Labcorp
Classification: Pathogenic for Autosomal recessive polycystic kidney disease. Last evaluated: 2021-10-03. Review status: criteria provided, single submitter. Criteria: Invitae Variant Classification Sherloc (09022015). Collection method: clinical testing. Allele origin: germline.
Comment: For these reasons, this variant has been classified as Pathogenic. This variant has not been reported in the literature in individuals affected with PKHD1-related conditions. This variant is not present in population databases (ExAC no frequency). This sequence change creates a premature translational stop signal (p.Trp2890Glyfs*7) in the PKHD1 gene. It is expected to result in an absent or disrupted protein product. Loss-of-function variants in PKHD1 are known to be pathogenic (PMID: 19940839).

Literature cited by the submitters: PubMed 19940839.

NM_138694.4(PKHD1):c.8668del (p.Trp2890fs)

Gene: PKHD1 (PKHD1 ciliary IPT domain containing fibrocystin/polyductin; minus strand). Cytogenetic location: 6p12.3.
Variant type: Deletion.
Coding change: c.8668del on transcript NM_138694.4 (MANE Select); coding-DNA position 8668, one base deleted (T; older notation c.8668delT).
Protein change: p.Trp2890fs; shifts the reading frame from tryptophan 2890.
Molecular consequence: frameshift variant.
Genome position (GRCh38, 1-based): chr6:51,754,913, A deleted on the plus strand (T on the coding strand, the reverse complement: PKHD1 is on the minus strand); the first of 2 consecutive A bases (chr6:51,754,913-51,754,914); deleting either gives the same sequence. VCF-style (leftmost placement, unchanged base first): chr6-51754912-CA-C. GRCh37 (hg19) VCF-style: chr6-51619710-CA-C.
Other names: c.8668del, p.Trp2890fs (NM_170724.3); short protein forms W2890fs.
Identifiers: ClinVar variation 1390035 (VCV001390035.6), dbSNP rs2151021274, ClinGen allele CA2573140895.